The following is an entry in ClinVar:

NM_001458.5(FLNC):c.7910A>C (p.Lys2637Thr)

Genes: FLNC (filamin C; plus strand), FLNC-AS1 (FLNC antisense RNA 1; minus strand). Cytogenetic location: 7q32.1.
Variant type: single nucleotide variant.
Coding change: c.7910A>C on transcript NM_001458.5 (MANE Select); coding-DNA position 7910, A replaced by C.
Protein change: p.Lys2637Thr; replaces lysine 2637 with threonine.
Molecular consequence: missense variant.
Genome position (GRCh38, 1-based): chr7:128,858,137, A>C. VCF-style: chr7-128858137-A-C. GRCh37 (hg19) VCF-style: chr7-128498191-A-C.
Other names: c.7811A>C, p.Lys2604Thr (NM_001127487.2); short protein forms K2604T, K2637T.
Identifiers: ClinVar variation 3365107 (VCV003365107.2).

ClinVar aggregate classification (germline): Uncertain significance. Review status: criteria provided, multiple submitters, no conflicts (2 of 4 stars). 2 submissions from 2 submitters: Uncertain significance (2). Last evaluated 2026-03-29.

Conditions:
Cardiovascular phenotype. Identifiers: MedGen CN230736.

gnomAD v4.1: 3 of 1,612,664 alleles (0.00019%); highest among the groups gnomAD compares: Non-Finnish European, 0.00025%; no homozygotes.

Submissions (2):

Ambry Genetics
Classification: Uncertain significance for Cardiovascular phenotype. Last evaluated: 2026-03-29. Review status: criteria provided, single submitter. Criteria: Ambry Variant Classification Scheme 2023. Collection method: clinical testing. Allele origin: germline.
Comment: The p.K2637T variant (also known as c.7910A>C), located in coding exon 47 of the FLNC gene, results from an A to C substitution at nucleotide position 7910. The lysine at codon 2637 is replaced by threonine, an amino acid with similar properties. This amino acid position is conserved. In addition, this alteration is predicted to be deleterious by in silico analysis. Based on the available evidence, the clinical significance of this variant remains unclear.

GeneDx
Classification: Uncertain significance. Last evaluated: 2023-12-08. Review status: criteria provided, single submitter. Criteria: GeneDx Variant Classification Process June 2021. Collection method: clinical testing. Allele origin: germline. Affected: yes.
Comment: Has not been previously published as pathogenic or benign to our knowledge; Not observed at significant frequency in large population cohorts (gnomAD); In silico analysis supports that this missense variant has a deleterious effect on protein structure/function